The following is an entry in ClinVar:

NM_014314.4(RIGI):c.449C>T (p.Ala150Val)

Gene: RIGI (RNA sensor RIG-I; minus strand). Cytogenetic location: 9p21.1.
Variant type: single nucleotide variant.
Coding change: c.449C>T on transcript NM_014314.4 (MANE Select); coding-DNA position 449, C replaced by T.
Protein change: p.Ala150Val; replaces alanine 150 with valine.
Molecular consequence: missense variant. On other transcripts: intron variant (1).
Genome position (GRCh38, 1-based): chr9:32,492,513, G>A on the plus strand (C>T on the coding strand, the complement: RIGI is on the minus strand). VCF-style: chr9-32492513-G-A. GRCh37 (hg19) VCF-style: chr9-32492511-G-A.
Other names: c.449C>T, p.Ala150Val (NM_001385907.1, NM_001385909.1); c.8C>T, p.Ala3Val (NM_001385910.1, NM_001385914.1); c.434C>T, p.Ala145Val (NM_001385913.1); c.-38-1093C>T (NM_001385912.1); short protein forms A145V, A150V, A3V.
Identifiers: ClinVar variation 2415530 (VCV002415530.6), dbSNP rs1254591679, ClinGen allele CA373163800.

ClinVar aggregate classification (germline): Uncertain significance (1 of 4 stars; one submission).

Allele frequency attached by ClinVar (database versions not stated): gnomAD exomes below 0.00001; TOPMed 0.00001.
gnomAD v4.1: 2 of 1,614,136 alleles (0.00012%); highest among the groups gnomAD compares: Non-Finnish European, 0.00017%; no homozygotes.

Submission:

Labcorp Genetics (formerly Invitae), Labcorp
Classification: Uncertain significance. Last evaluated: 2022-03-11. Review status: criteria provided, single submitter. Criteria: Invitae Variant Classification Sherloc (09022015). Collection method: clinical testing. Allele origin: germline.
Comment: In summary, the available evidence is currently insufficient to determine the role of this variant in disease. Therefore, it has been classified as a Variant of Uncertain Significance. Algorithms developed to predict the effect of sequence changes on RNA splicing suggest that this variant may disrupt the consensus splice site. Algorithms developed to predict the effect of missense changes on protein structure and function are either unavailable or do not agree on the potential impact of this missense change (SIFT: "Tolerated"; PolyPhen-2: "Possibly Damaging"; Align-GVGD: "Class C0"). This variant has not been reported in the literature in individuals affected with DDX58-related conditions. This variant is present in population databases (no rsID available, gnomAD 0.0009%). This sequence change replaces alanine, which is neutral and non-polar, with valine, which is neutral and non-polar, at codon 150 of the DDX58 protein (p.Ala150Val).